The following is an entry in ClinVar:

NM_007118.4(TRIO):c.4375A>G (p.Ser1459Gly)

Gene: TRIO (trio Rho guanine nucleotide exchange factor; plus strand). Cytogenetic location: 5p15.2.
Variant type: single nucleotide variant.
Coding change: c.4375A>G on transcript NM_007118.4 (MANE Select); coding-DNA position 4375, A replaced by G.
Protein change: p.Ser1459Gly; replaces serine 1459 with glycine.
Molecular consequence: missense variant. On other transcripts: non-coding transcript variant (1).
Genome position (GRCh38, 1-based): chr5:14,397,106, A>G. VCF-style: chr5-14397106-A-G. GRCh37 (hg19) VCF-style: chr5-14397215-A-G.
Other names: short protein forms S1459G.
Identifiers: ClinVar variation 4681684 (VCV004681684.5).

ClinVar aggregate classification (germline): Likely benign (1 of 4 stars; one submission).

gnomAD v4.1: 32 of 1,609,388 alleles (0.002%); highest among the groups gnomAD compares: Non-Finnish European, 0.0025%; no homozygotes.

Submission:

CeGaT Center for Human Genetics Tuebingen
Classification: Likely benign. Last evaluated: 2025-12-01. Review status: criteria provided, single submitter. Criteria: CeGaT Center For Human Genetics Tuebingen Variant Classification Criteria Version 2. Collection method: clinical testing. Allele origin: germline. Affected: yes. Observed: 1 variant allele.
Comment: TRIO: PP2, BS2